The following is an entry in ClinVar:

NM_006231.4(POLE):c.3359A>C (p.Gln1120Pro)

Gene: POLE (DNA polymerase epsilon, catalytic subunit; minus strand). Cytogenetic location: 12q24.33.
Variant type: single nucleotide variant.
Coding change: c.3359A>C on transcript NM_006231.4 (MANE Select); coding-DNA position 3359, A replaced by C.
Protein change: p.Gln1120Pro; replaces glutamine 1120 with proline.
Molecular consequence: missense variant.
Genome position (GRCh38, 1-based): chr12:132,657,887, T>G on the plus strand (A>C on the coding strand, the complement: POLE is on the minus strand). VCF-style: chr12-132657887-T-G. GRCh37 (hg19) VCF-style: chr12-133234473-T-G.
Other names: short protein forms Q1120P.
Identifiers: ClinVar variation 572548 (VCV000572548.14), dbSNP rs1565953982, ClinGen allele CA387389618.

ClinVar aggregate classification (germline): Uncertain significance. Review status: criteria provided, multiple submitters, no conflicts (2 of 4 stars). 3 submissions from 3 submitters: Uncertain significance (3). Last evaluated 2025-09-01.

Conditions:
Hereditary cancer-predisposing syndrome. Also called: Neoplastic Syndromes, Hereditary; Hereditary Cancer Syndrome; Tumor predisposition; Hereditary neoplastic syndrome. Identifiers: Orphanet 140162, MedGen C0027672, MeSH D009386, MONDO:0015356.

Allele frequency attached by ClinVar (database versions not stated): gnomAD exomes below 0.00001; TOPMed below 0.00001.
gnomAD v4.1: 1 of 1,613,440 alleles (0.000062%); highest among the groups gnomAD compares: African/African-American, 0.0013%; no homozygotes.

Submissions (3):

Women's Health and Genetics/Laboratory Corporation of America, LabCorp
Classification: Uncertain significance. Last evaluated: 2025-09-01. Review status: criteria provided, single submitter. Criteria: LabCorp Variant Classification Summary - May 2015. Collection method: clinical testing. Allele origin: germline.

Labcorp Genetics (formerly Invitae), Labcorp
Classification: Uncertain significance. Last evaluated: 2022-07-21. Review status: criteria provided, single submitter. Criteria: Invitae Variant Classification Sherloc (09022015). Collection method: clinical testing. Allele origin: germline.
Comment: This variant is not present in population databases (gnomAD no frequency). In summary, the available evidence is currently insufficient to determine the role of this variant in disease. Therefore, it has been classified as a Variant of Uncertain Significance. Algorithms developed to predict the effect of sequence changes on RNA splicing suggest that this variant may create or strengthen a splice site. Algorithms developed to predict the effect of missense changes on protein structure and function (SIFT, PolyPhen-2, Align-GVGD) all suggest that this variant is likely to be tolerated. ClinVar contains an entry for this variant (Variation ID: 572548). This variant has not been reported in the literature in individuals affected with POLE-related conditions. This sequence change replaces glutamine, which is neutral and polar, with proline, which is neutral and non-polar, at codon 1120 of the POLE protein (p.Gln1120Pro).

Ambry Genetics
Classification: Uncertain significance for Hereditary cancer-predisposing syndrome. Last evaluated: 2022-01-27. Review status: criteria provided, single submitter. Criteria: Ambry Variant Classification Scheme 2023. Collection method: clinical testing. Allele origin: germline.
Comment: The p.Q1120P variant (also known as c.3359A>C), located in coding exon 27 of the POLE gene, results from an A to C substitution at nucleotide position 3359. The glutamine at codon 1120 is replaced by proline, an amino acid with similar properties. This amino acid position is conserved. In addition, the in silico prediction for this alteration is inconclusive. Since supporting evidence is limited at this time, the clinical significance of this alteration remains unclear.